The following is an entry in ClinVar:

NM_000059.4(BRCA2):c.6190A>G (p.Lys2064Glu)

Gene: BRCA2 (BRCA2 DNA repair associated; plus strand). Cytogenetic location: 13q13.1.
Variant type: single nucleotide variant.
Coding change: c.6190A>G on transcript NM_000059.4 (MANE Select); coding-DNA position 6190, A replaced by G.
Protein change: p.Lys2064Glu; replaces lysine 2064 with glutamic acid.
Molecular consequence: missense variant.
Genome position (GRCh38, 1-based): chr13:32,340,545, A>G. VCF-style: chr13-32340545-A-G. GRCh37 (hg19) VCF-style: chr13-32914682-A-G.
Other names: short protein forms K2064E.
Identifiers: ClinVar variation 801116 (VCV000801116.11), dbSNP rs1593907793, ClinGen allele CA387788427.

ClinVar aggregate classification (germline): Conflicting classifications of pathogenicity. Review status: criteria provided, conflicting classifications (1 of 4 stars). 4 submissions from 4 submitters: Uncertain significance (3); Likely benign (1). Last evaluated 2025-09-10.

Conditions:
Hereditary cancer-predisposing syndrome. Also called: Tumor predisposition; Neoplastic Syndromes, Hereditary; Hereditary Cancer Syndrome; Hereditary neoplastic syndrome. Identifiers: Orphanet 140162, MedGen C0027672, MeSH D009386, MONDO:0015356.

Submissions (4):

Ambry Genetics
Classification: Uncertain significance for Hereditary cancer-predisposing syndrome. Last evaluated: 2025-09-10. Review status: criteria provided, single submitter. Criteria: Ambry Variant Classification Scheme 2023. Collection method: clinical testing. Allele origin: germline.
Comment: The p.K2064E variant (also known as c.6190A>G), located in coding exon 10 of the BRCA2 gene, results from an A to G substitution at nucleotide position 6190. The lysine at codon 2064 is replaced by glutamic acid, an amino acid with similar properties. This amino acid position is conserved. In addition, the in silico prediction for this alteration is inconclusive. Since supporting evidence is limited at this time, the clinical significance of this alteration remains unclear.

Color Diagnostics, LLC DBA Color Health
Classification: Uncertain significance for Hereditary cancer-predisposing syndrome. Last evaluated: 2023-12-05. Review status: criteria provided, single submitter. Criteria: ACMG Guidelines, 2015. Collection method: clinical testing. Allele origin: germline.
Comment: This missense variant replaces lysine with glutamic acid at codon 2064 of the BRCA2 protein. Computational prediction suggests that this variant may have deleterious impact on protein structure and function (internally defined REVEL score threshold >= 0.7, PMID: 27666373). To our knowledge, functional studies have not been reported for this variant. This variant has not been reported in individuals affected with BRCA2-related disorders in the literature. This variant has not been identified in the general population by the Genome Aggregation Database (gnomAD). The available evidence is insufficient to determine the role of this variant in disease conclusively. Therefore, this variant is classified as a Variant of Uncertain Significance.

University of Washington Department of Laboratory Medicine, University of Washington
Classification: Likely benign for Hereditary cancer-predisposing syndrome. Last evaluated: 2023-03-23. Review status: criteria provided, single submitter. Criteria: Dines et al. (Genet Med. 2020). Collection method: curation. Allele origin: germline.
Comment: Missense variant in a coldspot region where missense variants are very unlikely to be pathogenic (PMID:31911673).

BRCA2 exon 11 coldspot. Reclassification based on statistical prior probability.

Quest Diagnostics Nichols Institute San Juan Capistrano
Classification: Uncertain significance. Last evaluated: 2019-04-18. Review status: criteria provided, single submitter. Criteria: Quest Diagnostics criteria. Collection method: clinical testing. Allele origin: germline.